The following is an entry in ClinVar:

ClinVar aggregate classification (germline): Likely benign. Review status: criteria provided, multiple submitters, no conflicts (2 of 4 stars). 3 submissions from 3 submitters: Likely benign (2). 1 of the submissions does not count toward it. Last evaluated 2026-01-17.

Conditions:
BBS9-related disorder. Also called: BBS9-related condition.
Bardet-Biedl syndrome (BBS). Identifiers: Orphanet 110, MedGen C0752166, MONDO:0015229.

Allele frequency attached by ClinVar (database versions not stated): gnomAD 0.00001; gnomAD exomes 0.00005; ExAC 0.00030.
gnomAD v4.1: 91 of 1,613,470 alleles (0.0056%); highest among the groups gnomAD compares: Middle Eastern, 0.016%; 1 homozygote.

Submissions (3):

Labcorp Genetics (formerly Invitae), Labcorp
Classification: Likely benign for Bardet-Biedl syndrome. Last evaluated: 2026-01-17. Review status: criteria provided, single submitter. Criteria: Invitae Variant Classification Sherloc (09022015). Collection method: clinical testing. Allele origin: germline.

Blueprint Genetics
Classification: Likely benign. Last evaluated: 2024-07-11. Review status: criteria provided, single submitter. Criteria: ACMG Guidelines, 2015. Collection method: clinical testing. Allele origin: germline.

PreventionGenetics, part of Exact Sciences
Classification: Likely benign for BBS9-related condition. Last evaluated: 2022-02-16. Review status: no assertion criteria provided. Collection method: clinical testing. Allele origin: germline. Not counted in ClinVar's aggregate classification.
Comment: This variant is classified as likely benign based on ACMG/AMP sequence variant interpretation guidelines (Richards et al. 2015 PMID: 25741868, with internal and published modifications).

NM_198428.3(BBS9):c.1016+8A>G

Gene: BBS9 (Bardet-Biedl syndrome 9; plus strand). Cytogenetic location: 7p14.3.
Variant type: single nucleotide variant.
Coding change: c.1016+8A>G on transcript NM_198428.3 (MANE Select); 8 bases into the intron after coding-DNA position 1016, A replaced by G.
Molecular consequence: intron variant.
Genome position (GRCh38, 1-based): chr7:33,273,964, A>G. VCF-style: chr7-33273964-A-G. GRCh37 (hg19) VCF-style: chr7-33313576-A-G.
Other names: c.1016+8A>G (NM_001348036.1, NM_001362679.1, NM_001348041.4 and 6 more transcripts); c.743+8A>G (NM_001348038.3, NM_001348039.3); c.650+8A>G (NM_001348037.3, NM_001348045.3, NM_001348046.3 and 1 more transcripts); c.881+8A>G (NM_001348042.3).
Identifiers: ClinVar variation 1911540 (VCV001911540.7), dbSNP rs764497730, ClinGen allele CA4214159.